The following is an entry in ClinVar:

NM_000179.3(MSH6):c.3891C>T (p.Ser1297=)

Gene: MSH6 (mutS homolog 6; plus strand). Cytogenetic location: 2p16.3.
Variant type: single nucleotide variant.
Coding change: c.3891C>T on transcript NM_000179.3 (MANE Select); coding-DNA position 3891, C replaced by T.
Protein change: p.Ser1297=; no amino-acid change (serine 1297 retained).
Molecular consequence: synonymous variant.
Genome position (GRCh38, 1-based): chr2:47,806,541, C>T. VCF-style: chr2-47806541-C-T. GRCh37 (hg19) VCF-style: chr2-48033680-C-T.
Other names: c.3501C>T, p.Ser1167= (NM_001281492.2); c.2985C>T, p.Ser995= (NM_001281493.2, NM_001281494.2).
Identifiers: ClinVar variation 631178 (VCV000631178.6), dbSNP rs1558393726, ClinGen allele CA426122142.
Genomic context (GRCh38, chr2:47,806,541, plus strand): 5'-CCCCAGCCAGGAGACTATTACGTTCCTCTATAAATTCATTAAGGGAGCTTGTCCTAAAAG[C>T]TATGGCTTTAATGCAGCAAGGCTTGCTAATCTCCCAGAGGAAGTTATTCAAAAGGGACAT-3'
Protein context (NP_000170.1, residues 1287-1307): YKFIKGACPK[Ser1297=]YGFNAARLAN

ClinVar aggregate classification (germline): Benign/Likely benign. Review status: criteria provided, multiple submitters, no conflicts (2 of 4 stars). 4 submissions from 4 submitters: Benign (1); Likely benign (3). Last evaluated 2025-10-15.

Conditions:
Hereditary cancer-predisposing syndrome. Also called: Tumor predisposition; Neoplastic Syndromes, Hereditary; Hereditary neoplastic syndrome; Hereditary Cancer Syndrome. Identifiers: Orphanet 140162, MedGen C0027672, MeSH D009386, MONDO:0015356.
Lynch syndrome 5 (LYNCH5). Also called: Hereditary non-polyposis colorectal cancer, type 5; Colorectal cancer, hereditary nonpolyposis, type 5. Identifiers: Orphanet 144, MedGen C1833477, MONDO:0013710, OMIM 614350. Disease mechanism: loss of function.
Hereditary nonpolyposis colorectal neoplasms. Identifiers: MedGen C0009405, MeSH D003123.

Submissions (4):

Labcorp Genetics (formerly Invitae), Labcorp
Classification: Likely benign for Hereditary nonpolyposis colorectal neoplasms. Last evaluated: 2025-10-15. Review status: criteria provided, single submitter. Criteria: Invitae Variant Classification Sherloc (09022015). Collection method: clinical testing. Allele origin: germline.

Myriad Genetics, Inc.
Classification: Benign for Lynch syndrome 5. Last evaluated: 2025-01-08. Review status: criteria provided, single submitter. Criteria: Myriad Autosomal Dominant, Autosomal Recessive and X-Linked Classification Criteria (2023). Collection method: clinical testing. Allele origin: unknown.
Comment: This variant is considered benign. This variant is a silent/synonymous amino acid change and it is not expected to impact splicing.

Ambry Genetics
Classification: Likely benign for Hereditary cancer-predisposing syndrome. Last evaluated: 2024-12-13. Review status: criteria provided, single submitter. Criteria: Ambry Variant Classification Scheme 2023. Collection method: clinical testing. Allele origin: germline.

Color Diagnostics, LLC DBA Color Health
Classification: Likely benign for Hereditary cancer-predisposing syndrome. Last evaluated: 2018-01-17. Review status: criteria provided, single submitter. Criteria: ACMG Guidelines, 2015. Collection method: clinical testing. Allele origin: germline.